The following is an entry in ClinVar:

ClinVar aggregate classification (germline): Likely pathogenic (1 of 4 stars; one submission).

Conditions:
Obesity. Also called: Obesity disorder. Identifiers: Orphanet 71529, MedGen C0028754, MeSH D009765, MONDO:0011122, HP:0001513.

Allele frequency attached by ClinVar (database versions not stated): gnomAD exomes below 0.00001 and 0.00001; TOPMed below 0.00001.

Submission:

Women's Health and Genetics/Laboratory Corporation of America, LabCorp
Classification: Likely pathogenic for Early Onset Obesity. Last evaluated: 2011-08-18. Review status: criteria provided, single submitter. Criteria: LabCorp Variant Classification Summary - May 2015. Collection method: curation, clinical testing. Allele origin: germline. Inheritance: autosomal unknown. Affected: yes.
ClinVar note: Converted during submission from likely pathogenic to Likely pathogenic.

NM_005912.3(MC4R):c.538T>C (p.Ser180Pro)

Gene: MC4R (melanocortin 4 receptor; minus strand). Cytogenetic location: 18q21.32.
Variant type: single nucleotide variant.
Coding change: c.538T>C on transcript NM_005912.3 (MANE Select); coding-DNA position 538, T replaced by C.
Protein change: p.Ser180Pro; replaces serine 180 with proline.
Molecular consequence: missense variant.
Genome position (GRCh38, 1-based): chr18:60,371,812, A>G on the plus strand (T>C on the coding strand, the complement: MC4R is on the minus strand). VCF-style: chr18-60371812-A-G. GRCh37 (hg19) VCF-style: chr18-58039045-A-G.
Other names: short protein forms S180P.
Identifiers: ClinVar variation 36483 (VCV000036483.3), dbSNP rs193922685, ClinGen allele CA214140.